The following is an entry in ClinVar:

NM_000552.5(VWF):c.7517C>T (p.Pro2506Leu)

Gene: VWF (von Willebrand factor; minus strand). Cytogenetic location: 12p13.31.
Variant type: single nucleotide variant.
Coding change: c.7517C>T on transcript NM_000552.5 (MANE Select); coding-DNA position 7517, C replaced by T.
Protein change: p.Pro2506Leu; replaces proline 2506 with leucine.
Molecular consequence: missense variant.
Genome position (GRCh38, 1-based): chr12:5,971,630, G>A on the plus strand (C>T on the coding strand, the complement: VWF is on the minus strand). VCF-style: chr12-5971630-G-A. GRCh37 (hg19) VCF-style: chr12-6080796-G-A.
Other names: short protein forms P2506L.
Identifiers: ClinVar variation 4988053 (VCV004988053.1).

ClinVar aggregate classification (germline): Uncertain significance (1 of 4 stars; one submission).

Conditions:
VWF-related disorder. Also called: VWF-related condition; VWF-related disorders.

gnomAD v4.1: 29 of 1,614,182 alleles (0.0018%); highest among the groups gnomAD compares: South Asian, 0.026%; no homozygotes.

Submission:

PreventionGenetics, part of Exact Sciences
Classification: Uncertain significance for VWF-related condition. Last evaluated: 2026-05-15. Review status: criteria provided, single submitter. Criteria: ACMG Guidelines, 2015. Collection method: clinical testing. Allele origin: germline.
Comment: The VWF c.7517C>T variant is predicted to result in the amino acid substitution p.Pro2506Leu. To our knowledge, this variant has not been reported in the literature. This variant is reported in 0.020% of alleles in individuals of South Asian descent in gnomAD. At this time, the clinical significance of this variant is uncertain due to the absence of conclusive functional and genetic evidence.